The following is an entry in ClinVar:

NM_001035.3(RYR2):c.2702G>C (p.Gly901Ala)

Gene: RYR2 (ryanodine receptor 2; plus strand). Cytogenetic location: 1q43.
Variant type: single nucleotide variant.
Coding change: c.2702G>C on transcript NM_001035.3 (MANE Select); coding-DNA position 2702, G replaced by C.
Protein change: p.Gly901Ala; replaces glycine 901 with alanine.
Molecular consequence: missense variant.
Genome position (GRCh38, 1-based): chr1:237,506,798, G>C. VCF-style: chr1-237506798-G-C. GRCh37 (hg19) VCF-style: chr1-237670098-G-C.
Other names: short protein forms G901A.
Identifiers: ClinVar variation 3772524 (VCV003772524.13).

ClinVar aggregate classification (germline): Uncertain significance (1 of 4 stars; one submission).

Submission:

CeGaT Center for Human Genetics Tuebingen
Classification: Uncertain significance. Last evaluated: 2025-02-01. Review status: criteria provided, single submitter. Criteria: CeGaT Center For Human Genetics Tuebingen Variant Classification Criteria Version 2. Collection method: clinical testing. Allele origin: germline. Affected: yes. Observed: 1 variant allele.
Comment: RYR2: PM2, PP3